The following is an entry in ClinVar:

ClinVar aggregate classification (germline): Uncertain significance (1 of 4 stars; one submission).

Allele frequency attached by ClinVar (database versions not stated): gnomAD exomes 0.00001; ExAC 0.00002.
gnomAD v4.1: 5 of 1,600,212 alleles (0.00031%); highest among the groups gnomAD compares: Admixed American, 0.0051%; no homozygotes.

Submission:

Labcorp Genetics (formerly Invitae), Labcorp
Classification: Uncertain significance. Last evaluated: 2025-09-08. Review status: criteria provided, single submitter. Criteria: Invitae Variant Classification Sherloc (09022015). Collection method: clinical testing. Allele origin: germline.
Comment: This sequence change replaces histidine, which is basic and polar, with aspartic acid, which is acidic and polar, at codon 954 of the PITPNM3 protein (p.His954Asp). This variant is present in population databases (rs763123501, gnomAD 0.009%). This variant has not been reported in the literature in individuals affected with PITPNM3-related conditions. ClinVar contains an entry for this variant (Variation ID: 1436224). Invitae Evidence Modeling of protein sequence and biophysical properties (such as structural, functional, and spatial information, amino acid conservation, physicochemical variation, residue mobility, and thermodynamic stability) indicates that this missense variant is not expected to disrupt PITPNM3 protein function with a negative predictive value of 80%. In summary, the available evidence is currently insufficient to determine the role of this variant in disease. Therefore, it has been classified as a Variant of Uncertain Significance.

NM_031220.4(PITPNM3):c.2860C>G (p.His954Asp)

Gene: PITPNM3 (PITPNM family member 3; minus strand). Cytogenetic location: 17p13.2.
Variant type: single nucleotide variant.
Coding change: c.2860C>G on transcript NM_031220.4 (MANE Select); coding-DNA position 2860, C replaced by G.
Protein change: p.His954Asp; replaces histidine 954 with aspartic acid.
Molecular consequence: missense variant.
Genome position (GRCh38, 1-based): chr17:6,455,403, G>C on the plus strand (C>G on the coding strand, the complement: PITPNM3 is on the minus strand). VCF-style: chr17-6455403-G-C. GRCh37 (hg19) VCF-style: chr17-6358723-G-C.
Other names: c.2752C>G, p.His918Asp (NM_001165966.2); short protein forms H918D, H954D.
Identifiers: ClinVar variation 1436224 (VCV001436224.6), dbSNP rs763123501, ClinGen allele CA8329001.